The following is an entry in ClinVar:

ClinVar aggregate classification (germline): Likely pathogenic (1 of 4 stars; one submission).

Conditions:
Autosomal dominant Robinow syndrome 1. Also called: ACRAL DYSOSTOSIS WITH FACIAL AND GENITAL ABNORMALITIES; FETAL FACE SYNDROME; ROBINOW DWARFISM; Covesdem syndrome (formerly); Costovertebral segmentation defect with mesomelia (formerly); WNT5A-Related Robinow Syndrome, Autosomal Dominant. Identifiers: Orphanet 3107, Orphanet 97360, MedGen C4551475, MONDO:0024455, OMIM 180700.

Submission:

3billion
Classification: Likely pathogenic for Autosomal dominant Robinow syndrome 1. Last evaluated: 2023-09-07. Review status: criteria provided, single submitter. Criteria: ACMG Guidelines, 2015. Collection method: clinical testing. Allele origin: germline. Affected: yes.
Comment: The variant is not observed in the gnomAD v2.1.1 dataset. Predicted Consequence/Location: Missense changes are a common disease-causing mechanism. In silico tool predictions suggest damaging effect of the variant on gene or gene product [REVEL: 0.91 (>=0.6, sensitivity 0.68 and specificity 0.92); 3Cnet: 0.98 (>=0.6, sensitivity 0.72 and precision 0.9)]. Different missense changes at the same codon (p.Cys83Gly, p.Cys83Ser, p.Cys83Trp, p.Cys83Tyr) have been reported as pathogenic/likely pathogenic with strong evidence (ClinVar ID: VCV000029820, VCV000981471, VCV000981473 /PMID: 19918918, 27092434, 35047859). Therefore, this variant is classified as Likely pathogenic according to the recommendation of ACMG/AMP guideline.

Literature cited by the submitters: PubMed 19918918.

NM_003392.7(WNT5A):c.247T>C (p.Cys83Arg)

Gene: WNT5A (Wnt family member 5A; minus strand). Cytogenetic location: 3p14.3.
Variant type: single nucleotide variant.
Coding change: c.247T>C on transcript NM_003392.7 (MANE Select); coding-DNA position 247, T replaced by C.
Protein change: p.Cys83Arg; replaces cysteine 83 with arginine.
Molecular consequence: missense variant.
Genome position (GRCh38, 1-based): chr3:55,479,458, A>G on the plus strand (T>C on the coding strand, the complement: WNT5A is on the minus strand). VCF-style: chr3-55479458-A-G. GRCh37 (hg19) VCF-style: chr3-55513486-A-G.
Other names: c.202T>C, p.Cys68Arg (NM_001256105.1, NM_001377271.1, NM_001377272.1); short protein forms C68R, C83R.
Identifiers: ClinVar variation 3776042 (VCV003776042.1).